The following is an entry in ClinVar:

ClinVar aggregate classification (germline): Conflicting classifications of pathogenicity. Review status: criteria provided, conflicting classifications (1 of 4 stars). 9 submissions from 9 submitters: Uncertain significance (8); Likely benign (1). Last evaluated 2026-05-01.

Conditions:
Cardiovascular phenotype. Identifiers: MedGen CN230736.
Cardiomyopathy (CMYO). Also called: Cardiomyopathies. Identifiers: Orphanet 167848, MedGen C0878544, MONDO:0004994, HP:0001638. Inheritance: Various modes of inheritance.
Long QT syndrome 5 (LQT5). Identifiers: Orphanet 101016, Orphanet 768, MedGen C1867904, MONDO:0013372, OMIM 613695.
Jervell and Lange-Nielsen syndrome 2 (JLNS2). Identifiers: Orphanet 768, Orphanet 90647, MedGen C2676723, MONDO:0012871, OMIM 612347.
Long QT syndrome (LQTS). Identifiers: MedGen C0023976, MeSH D008133, MONDO:0002442. Disease mechanism: loss of function. Inheritance: Various modes of inheritance.

Allele frequency attached by ClinVar (database versions not stated): gnomAD 0.00003 and 0.00004; gnomAD exomes 0.00004 and 0.00005; TOPMed 0.00005; ExAC 0.00006; ESP Exome Variant Server 0.00008.
gnomAD v4.1: 57 of 1,584,134 alleles (0.0036%); highest among the groups gnomAD compares: African/African-American, 0.0056%; 1 homozygote.

Submissions (10):

Women's Health and Genetics/Laboratory Corporation of America, LabCorp
Classification: Uncertain significance. Last evaluated: 2026-05-01. Review status: criteria provided, single submitter. Criteria: LabCorp Variant Classification Summary - May 2015. Collection method: clinical testing. Allele origin: germline.
Comment: Variant summary: KCNE1 c.293G>A (p.Arg98Gln) results in a conservative amino acid change in the encoded protein sequence. Algorithms developed to predict the effect of missense changes on protein structure and function are either unavailable or do not agree on the potential impact of this missense change. The variant allele was found at a frequency of 4.8e-05 in 251414 control chromosomes. The observed variant frequency exceeds the estimated maximal expected allele frequency for disease-causing variants in KCNE1. c.293G>A has been observed in individuals affected with Long QT Syndrome (Roberts_2020, Young_2024). These report(s) do not provide unequivocal conclusions about association of the variant with Long QT Syndrome. A different missense variant affecting the same codon (c.292C>T, p.Arg98Trp) has been classified as likely pathogenic by our own lab. At least one publication reports experimental evidence evaluating an impact on protein function (Muhammad_2024). These results showed no damaging effect of this variant. The following publications have been ascertained in the context of this evaluation (PMID: 38816749, 31941373, 38218330). ClinVar contains an entry for this variant (Variation ID: 228764). Based on the evidence outlined above, the variant was classified as uncertain significance.

Labcorp Genetics (formerly Invitae), Labcorp
Classification: Uncertain significance for Long QT syndrome. Last evaluated: 2025-03-03. Review status: criteria provided, single submitter. Criteria: Invitae Variant Classification Sherloc (09022015). Collection method: clinical testing. Allele origin: germline.
Comment: This sequence change replaces arginine, which is basic and polar, with glutamine, which is neutral and polar, at codon 98 of the KCNE1 protein (p.Arg98Gln). This variant is present in population databases (rs150454912, gnomAD 0.02%). This variant has not been reported in the literature in individuals affected with KCNE1-related conditions. ClinVar contains an entry for this variant (Variation ID: 228764). Invitae Evidence Modeling of protein sequence and biophysical properties (such as structural, functional, and spatial information, amino acid conservation, physicochemical variation, residue mobility, and thermodynamic stability) indicates that this missense variant is not expected to disrupt KCNE1 protein function with a negative predictive value of 95%. This variant disrupts the p.Arg98 amino acid residue in KCNE1. Other variant(s) that disrupt this residue have been determined to be pathogenic (PMID: 16922724, 17341399, 19907016, 30530868). This suggests that this residue is clinically significant, and that variants that disrupt this residue are likely to be disease-causing. In summary, the available evidence is currently insufficient to determine the role of this variant in disease. Therefore, it has been classified as a Variant of Uncertain Significance.

GeneDx
Classification: Uncertain significance. Last evaluated: 2024-06-18. Review status: criteria provided, single submitter. Criteria: GeneDx Variant Classification Process June 2021. Collection method: clinical testing. Allele origin: germline. Affected: yes.
Comment: Reported in a patient with presumed LQTS and in a patient with sensorineural hearing loss who also harbored variants in other hearing loss-associated genes (PMID: 27863619, 31941373); In silico analysis indicates that this missense variant does not alter protein structure/function; This variant is associated with the following publications: (PMID: 24561134, 27863619, 31941373)

Blueprint Genetics
Classification: Likely benign. Last evaluated: 2023-08-28. Review status: criteria provided, single submitter. Criteria: ACMG Guidelines, 2015. Collection method: clinical testing. Allele origin: germline.

CeGaT Center for Human Genetics Tuebingen
Classification: Uncertain significance. Last evaluated: 2023-06-01. Review status: criteria provided, single submitter. Criteria: CeGaT Center For Human Genetics Tuebingen Variant Classification Criteria Version 2. Collection method: clinical testing. Allele origin: germline. Affected: yes. Observed: 2 variant alleles.
Comment: KCNE1: PM2, PS4:Supporting

Ambry Genetics
Classification: Uncertain significance for Cardiovascular phenotype. Last evaluated: 2022-12-12. Review status: criteria provided, single submitter. Criteria: Ambry Variant Classification Scheme 2023. Collection method: clinical testing. Allele origin: germline.
Comment: The p.R98Q variant (also known as c.293G>A), located in coding exon 1 of the KCNE1 gene, results from a G to A substitution at nucleotide position 293. The arginine at codon 98 is replaced by glutamine, an amino acid with highly similar properties. This variant was detected in a control group with baseline QTc interval less than 470ms in a study of drug-induced long QT syndrome (LQTS) (Weeke P et al. J. Am. Coll. Cardiol. 2014;63:1430-7), and was also detected in a proband with hearing loss and no mention of cardiac arrhythmia, who also had variants in other hearing loss-associated genes (Li Y et al. Int. J. Pediatr. Otorhinolaryngol. 2016;91:1-5). This amino acid position is well conserved in available vertebrate species. In addition, the in silico prediction for this alteration is inconclusive. Since supporting evidence is limited at this time, the clinical significance of this alteration remains unclear.

Fulgent Genetics
Classification: Uncertain significance for Jervell and Lange-Nielsen syndrome 2; Long QT syndrome 5. Last evaluated: 2021-10-22. Review status: criteria provided, single submitter. Criteria: ACMG Guidelines, 2015. Collection method: clinical testing. Allele origin: unknown.

Laboratory for Molecular Medicine, Mass General Brigham Personalized Medicine
Classification: Uncertain significance. Last evaluated: 2017-11-16. Review status: criteria provided, single submitter. Criteria: LMM Criteria. Collection method: clinical testing. Allele origin: germline. Observed: 5 variant alleles.
Comment: The p.Arg98Gln variant in KCNE1 has been previously reported by our laboratory i n two unrelated Caucasian individuals with hearing loss. This variant has been i dentified in 11/246202 of the total chromosomes by the Genome Aggregation Databa se across several populations (gnomAD; dbSNP r s150454912). Although this variant has been seen in the general population, its frequency is not high enough to rule out a pathogenic role. Computational predic tion tools and conservation analyses suggest that this variant may not impact th e protein, though this information is not predictive enough to rule out pathogen icity. In summary, the clinical significance of the p.Arg98Gln variant is uncert ain. ACMG/AMP Criteria applied: BP4.

Center for Advanced Laboratory Medicine, UC San Diego Health, University of California San Diego
Classification: Uncertain significance for Cardiomyopathy. Last evaluated: 2017-09-08. Review status: criteria provided, single submitter. Criteria: ACMG Guidelines, 2015. Collection method: clinical testing. Allele origin: germline. Affected: yes. Observed: 1 variant allele.

Roden Lab, Vanderbilt University Medical Center
No classification provided (evidence only). Condition: Long QT syndrome 5. Review status: no classification provided. Collection method: in vitro. Allele origin: not applicable. Functional consequence: Effect on ion channel function. Not counted in ClinVar's aggregate classification.
ClinVar note: "not provided" was previously submitted as the classification for the variant. However, the classification appeared to be based only on an observation of functional data so it was converted to no classification on 2025-07-30.

Literature cited by the submitters: PubMed 31941373 (cited by Women's Health and Genetics/Laboratory Corporation of America, LabCorp and Ambry Genetics); PubMed 38816749 (cited by Women's Health and Genetics/Laboratory Corporation of America, LabCorp); PubMed 38218330 (cited by Women's Health and Genetics/Laboratory Corporation of America, LabCorp); PubMed 16922724 (cited by Labcorp Genetics (formerly Invitae), Labcorp); PubMed 17341399 (cited by Labcorp Genetics (formerly Invitae), Labcorp and Ambry Genetics); PubMed 19907016 (cited by Labcorp Genetics (formerly Invitae), Labcorp); PubMed 30530868 (cited by Labcorp Genetics (formerly Invitae), Labcorp); PubMed 10973849 (cited by Ambry Genetics); PubMed 23098067 (cited by Ambry Genetics); PubMed 24561134 (cited by Ambry Genetics and Laboratory for Molecular Medicine, Mass General Brigham Personalized Medicine).

NM_000219.6(KCNE1):c.293G>A (p.Arg98Gln)

Gene: KCNE1 (potassium voltage-gated channel subfamily E regulatory subunit 1; minus strand). Cytogenetic location: 21q22.12.
Variant type: single nucleotide variant.
Coding change: c.293G>A on transcript NM_000219.6 (MANE Select); coding-DNA position 293, G replaced by A.
Protein change: p.Arg98Gln; replaces arginine 98 with glutamine.
Molecular consequence: missense variant.
Genome position (GRCh38, 1-based): chr21:34,449,342, C>T on the plus strand (G>A on the coding strand, the complement: KCNE1 is on the minus strand). VCF-style: chr21-34449342-C-T. GRCh37 (hg19) VCF-style: chr21-35821640-C-T.
Other names: c.293G>A, p.Arg98Gln (NM_001127668.4, NM_001127669.4, NM_001127670.4 and 4 more transcripts); short protein forms R98Q.
Identifiers: ClinVar variation 228764 (VCV000228764.47), dbSNP rs150454912, ClinGen allele CA10577126.
Genomic context (GRCh38, chr21:34,449,342, plus strand): 5'-GGTTGTTCTATGGCCAGATGGTTTTCAACGACATAGCACGACCTGTAGCTCTCCAGGACC[C>T]GGGCCTGGACATAGGCCTTGTCCTTCTCTTGCCAGGCATCGGACTCGATGTAGACGTTGA-3'
Protein context (NP_000210.2, residues 88-108): QEKDKAYVQA[Arg98Gln]VLESYRSCYV